The following is an entry in ClinVar:

ClinVar aggregate classification (germline): Pathogenic (1 of 4 stars; one submission).

Conditions:
Cardiovascular phenotype. Identifiers: MedGen CN230736.

Submission:

Ambry Genetics
Classification: Pathogenic for Cardiovascular phenotype. Last evaluated: 2025-04-18. Review status: criteria provided, single submitter. Criteria: Ambry Variant Classification Scheme 2023. Collection method: clinical testing. Allele origin: germline.
Comment: The c.884_894del11 pathogenic mutation, located in coding exon 3 of the BAG3 gene, results from a deletion of 11 nucleotides at nucleotide positions 884 to 894, causing a translational frameshift with a predicted alternate stop codon (p.V295Gfs*20). This alteration occurs at the 3' terminus of theBAG3 gene, is not expected to trigger nonsense-mediated mRNA decay, and impacts the last 49% of the protein. However, premature stop codons are typically deleterious in nature, a significant portion of the protein is affected, and the impacted region is critical for protein function (Ambry internal data). This variant is considered to be rare based on population cohorts in the Genome Aggregation Database (gnomAD). Based on the supporting evidence, this variant is interpreted as a disease-causing mutation.

NM_004281.4(BAG3):c.884_894del (p.Val295fs)

Gene: BAG3 (BAG cochaperone 3; plus strand). Cytogenetic location: 10q26.11.
Variant type: Deletion.
Coding change: c.884_894del on transcript NM_004281.4 (MANE Select); coding-DNA positions 884 to 894, 11 bases deleted (TGCACACCGTG).
Protein change: p.Val295fs; shifts the reading frame from valine 295.
Molecular consequence: frameshift variant.
Genome position (GRCh38, 1-based): chr10:119,672,631-119,672,641, TGCACACCGTG deleted; deleting any 11 consecutive bases within chr10:119,672,626-119,672,641 gives the same sequence; the c. name uses the placement nearest the transcript's 3' end. VCF-style (leftmost placement, unchanged base first): chr10-119672625-TCCGTGTGCACA-T. GRCh37 (hg19) VCF-style: chr10-121432137-TCCGTGTGCACA-T.
Other names: c.884_894del11 (NM_004281.3); short protein forms V295fs.
Identifiers: ClinVar variation 3984747 (VCV003984747.1).